The following is an entry in ClinVar:

ClinVar aggregate classification (germline): Uncertain significance (1 of 4 stars; one submission).

Submission:

GeneDx
Classification: Uncertain significance. Last evaluated: 2024-09-20. Review status: criteria provided, single submitter. Criteria: GeneDx Variant Classification Process June 2021. Collection method: clinical testing. Allele origin: germline. Affected: yes.
Comment: Not observed at significant frequency in large population cohorts (gnomAD); In silico analysis supports that this missense variant has a deleterious effect on protein structure/function; Has not been previously published as pathogenic or benign to our knowledge

NM_001271838.2(RSRC1):c.281A>G (p.Tyr94Cys)

Gene: RSRC1 (arginine and serine rich coiled-coil 1; plus strand). Cytogenetic location: 3q25.32.
Variant type: single nucleotide variant.
Coding change: c.281A>G on transcript NM_001271838.2 (MANE Select); coding-DNA position 281, A replaced by G.
Protein change: p.Tyr94Cys; replaces tyrosine 94 with cysteine.
Molecular consequence: missense variant.
Genome position (GRCh38, 1-based): chr3:158,123,952, A>G. VCF-style: chr3-158123952-A-G. GRCh37 (hg19) VCF-style: chr3-157841741-A-G.
Other names: c.281A>G, p.Tyr94Cys (NM_001271834.2, NM_016625.4); short protein forms Y94C.
Identifiers: ClinVar variation 3774095 (VCV003774095.1).